The following is an entry in ClinVar:

ClinVar aggregate classification (germline): Uncertain significance (1 of 4 stars; one submission).

Conditions:
Cardiovascular phenotype. Identifiers: MedGen CN230736.

Submission:

Ambry Genetics
Classification: Uncertain significance for Cardiovascular phenotype. Last evaluated: 2025-12-21. Review status: criteria provided, single submitter. Criteria: Ambry Variant Classification Scheme 2023. Collection method: clinical testing. Allele origin: germline.
Comment: The p.P630L variant (also known as c.1889C>T), located in coding exon 11 of the CBL gene, results from a C to T substitution at nucleotide position 1889. The proline at codon 630 is replaced by leucine, an amino acid with similar properties. This amino acid position is conserved. In addition, this alteration is predicted to be tolerated by in silico analysis. Based on the available evidence, the clinical significance of this variant remains unclear.

NM_005188.4(CBL):c.1889C>T (p.Pro630Leu)

Gene: CBL (Cbl proto-oncogene; plus strand). Cytogenetic location: 11q23.3.
Variant type: single nucleotide variant.
Coding change: c.1889C>T on transcript NM_005188.4 (MANE Select); coding-DNA position 1889, C replaced by T.
Protein change: p.Pro630Leu; replaces proline 630 with leucine.
Molecular consequence: missense variant.
Genome position (GRCh38, 1-based): chr11:119,285,514, C>T. VCF-style: chr11-119285514-C-T. GRCh37 (hg19) VCF-style: chr11-119156224-C-T.
Other names: short protein forms P630L.
Identifiers: ClinVar variation 4843613 (VCV004843613.1).